The following continues an entry in ClinVar:

NM_000182.5(HADHA):c.1528G>C (p.Glu510Gln)

ClinVar aggregate classification (germline): Pathogenic/Likely pathogenic. Pathogenic (30); Likely pathogenic (2).

Submissions 10 to 28 of 34:

ARUP Laboratories, Molecular Genetics and Genomics, ARUP Laboratories
Classification: Pathogenic. Last evaluated: 2025-02-20. Review status: criteria provided, single submitter. Criteria: ARUP Molecular Germline Variant Investigation Process 2024. Collection method: clinical testing. Allele origin: germline.
Comment: The HADHA c.1528G>C; p.Glu510Gln variant (rs137852769, ClinVar Variation ID: 100085) is the most common variant in individuals affected with long-chain 3-hydroxyacyl-CoA dehydrogenase (LCHAD) deficiency, found in either the homozygous or compound heterozygous state (IJlst 1994, reviewed in Piekutowska-Abramczuk 2010). This variant is found in the general population with an overall allele frequency of 0.13% (366/282,830 alleles) in the Genome Aggregation Database (v2.1.1). Computational analyses predict that this variant is deleterious (REVEL: 0.933). Functional analyses of the variant protein show normal protein expression but significant loss of enzyme activity (IJlst 1994, Olpin 2005). Based on available information, the p.Glu510Gln variant is considered to be pathogenic. References: IJlst L et al. Molecular basis of long-chain 3-hydroxyacyl-CoA dehydrogenase deficiency: identification of the major disease-causing mutation in the alpha-subunit of the mitochondrial trifunctional protein. Biochim Biophys Acta. 1994 Dec 8;1215(3):347-50. PMID: 7811722. Olpin SE et al. Biochemical, clinical and molecular findings in LCHAD and general mitochondrial trifunctional protein deficiency. J Inherit Metab Dis. 2005;28(4):533-44. PMID: 15902556. Piekutowska-Abramczuk D et al. A comprehensive HADHA c.1528G>C frequency study reveals high prevalence of long-chain 3-hydroxyacyl-CoA dehydrogenase deficiency in Poland. J Inherit Metab Dis. 2010 Dec;33 Suppl 3:S373-7. PMID: 20814823.

Laboratory of Genetics, Children's Clinical University Hospital Latvia
Classification: Pathogenic. Last evaluated: 2025-02-16. Review status: criteria provided, single submitter. Criteria: ACMG Guidelines, 2015. Collection method: clinical testing. Allele origin: germline. Affected: yes.

Blueprint Genetics
Classification: Pathogenic for HADHA-related disorders. Last evaluated: 2024-11-26. Review status: criteria provided, single submitter. Criteria: ACMG Guidelines, 2015. Collection method: clinical testing. Allele origin: germline. Affected: yes. Observed: 5 variant alleles.

Fulgent Genetics
Classification: Pathogenic for Mitochondrial trifunctional protein deficiency 1; Long chain 3-hydroxyacyl-CoA dehydrogenase deficiency. Last evaluated: 2024-04-23. Review status: criteria provided, single submitter. Criteria: ACMG Guidelines, 2015. Collection method: clinical testing. Allele origin: germline.

Baylor Genetics
Classification: Pathogenic for Long chain 3-hydroxyacyl-CoA dehydrogenase deficiency. Last evaluated: 2024-03-27. Review status: criteria provided, single submitter. Criteria: ACMG Guidelines, 2015. Collection method: clinical testing. Allele origin: unknown.

Laboratory of Medical Genetics, National & Kapodistrian University of Athens
Classification: Pathogenic for Long chain 3-hydroxyacyl-CoA dehydrogenase deficiency. Last evaluated: 2024-02-01. Review status: criteria provided, single submitter. Criteria: ACMG Guidelines, 2015. Collection method: curation. Allele origin: germline. Affected: no.

Department of Pathology and Laboratory Medicine, Sinai Health System
Classification: Likely pathogenic for Long chain 3-hydroxyacyl-CoA dehydrogenase deficiency. Last evaluated: 2023-02-20. Review status: criteria provided, single submitter. Criteria: ACMG Guidelines, 2015. Collection method: research. Allele origin: germline.

Mendelics
Classification: Pathogenic for Mitochondrial trifunctional protein deficiency 1. Last evaluated: 2022-05-04. Review status: criteria provided, single submitter. Criteria: Mendelics Assertion Criteria 2019. Collection method: clinical testing. Allele origin: germline.

Laboratorio de Genetica e Diagnostico Molecular, Hospital Israelita Albert Einstein
Classification: Pathogenic for Long chain 3-hydroxyacyl-CoA dehydrogenase deficiency. Last evaluated: 2021-12-28. Review status: criteria provided, single submitter. Criteria: ACMG Guidelines, 2015. Collection method: clinical testing. Allele origin: germline. Affected: yes.
Comment: ACMG classification criteria: PS3 supporting, PM3 very strong, PP3 supporting

Institute of Medical Genetics and Applied Genomics, University Hospital Tübingen
Classification: Pathogenic. Last evaluated: 2021-06-17. Review status: criteria provided, single submitter. Criteria: ACMG Guidelines, 2015. Collection method: clinical testing. Allele origin: germline. Inheritance: Autosomal recessive inheritance. Affected: yes.

Centre for Inherited Metabolic Diseases, Karolinska University Hospital
Classification: Pathogenic for Long chain 3-hydroxyacyl-CoA dehydrogenase deficiency. Last evaluated: 2021-04-07. Review status: criteria provided, single submitter. Criteria: ACMG Guidelines, 2015. Collection method: clinical testing. Allele origin: germline. Inheritance: Autosomal recessive inheritance. Affected: yes. Observed: 1 homozygote.

Greenwood Genetic Center Diagnostic Laboratories, Greenwood Genetic Center
Classification: Pathogenic. Last evaluated: 2020-12-12. Review status: criteria provided, single submitter. Criteria: ACMG Guidelines, 2015. Collection method: clinical testing. Allele origin: germline. Affected: yes.
Comment: PM3_Very_Strong, PS3

Women's Health and Genetics/Laboratory Corporation of America, LabCorp
Classification: Pathogenic for Long-chain 3-hydroxyacyl-CoA dehydrogenase deficiency. Last evaluated: 2020-07-02. Review status: criteria provided, single submitter. Criteria: LabCorp Variant Classification Summary - May 2015. Collection method: clinical testing. Allele origin: germline.
Comment: Variant summary: HADHA c.1528G>C (p.Glu510Gln) results in a conservative amino acid change located in the 3-hydroxyacyl-CoA dehydrogenase, NAD binding domain (IPR006176) of the encoded protein sequence. Four of five in-silico tools predict a damaging effect of the variant on protein function. The variant allele was found at a frequency of 0.0012 in 251462 control chromosomes (gnomAD). c.1528G>C has been reported in the literature in several homozygous and compound heterozygous individuals affected with Long Chain 3-Hydroxyacyl-CoA Dehydrogenase Deficiency, and is a commonly known pathogenic variant. Publications also reported experimental evidence evaluating an impact on protein function, showing that in homozygous patient derived fibroblasts this variant results in <10% of normal LCHAD activity. Eleven other clinical diagnostic laboratories have submitted clinical-significance assessments for this variant to ClinVar after 2014, and all of them classified the variant as pathogenic. Based on the evidence outlined above, the variant was classified as pathogenic.

Centre for Mendelian Genomics, University Medical Centre Ljubljana
Classification: Pathogenic for Mitochondrial trifunctional protein deficiency 1. Last evaluated: 2020-03-20. Review status: criteria provided, single submitter. Criteria: ACMG Guidelines, 2015. Collection method: clinical testing. Allele origin: unknown. Affected: yes.
Comment: This variant was classified as: Pathogenic. The following ACMG criteria were applied in classifying this variant: PS3,PS4,PP3.

Myriad Genetics, Inc.
Classification: Pathogenic for Long chain 3-hydroxyacyl-CoA dehydrogenase deficiency. Last evaluated: 2019-11-13. Review status: criteria provided, single submitter. Criteria: Myriad Women's Health Autosomal Recessive and X-Linked Classification Criteria (2019). Collection method: clinical testing. Allele origin: unknown.
Comment: NM_000182.4(HADHA):c.1528G>C(E510Q, aka E474Q) is classified as pathogenic in the context of HADHA-related disorders. Sources cited for classification include the following: PMID 7811722, 15902556 and 8770876. Classification of NM_000182.4(HADHA):c.1528G>C(E510Q, aka E474Q) is based on the following criteria: This is a well-established pathogenic variant in the literature that has been observed more frequently in patients with clinical diagnoses than in healthy populations. Please note: this variant was assessed in the context of healthy population screening.

Cambridge Genomics Laboratory, East Genomic Laboratory Hub, NHS Genomic Medicine Service
Classification: Pathogenic for Metabolic disease. Last evaluated: 2019-04-17. Review status: criteria provided, single submitter. Criteria: ACGS Best Practice Guidelines for Variant Classification in Rare Disease 2020. Collection method: clinical testing. Allele origin: germline. Affected: yes. Observed: 1 variant allele.

Illumina Laboratory Services, Illumina
Classification: Pathogenic for HADHA-Related Disorders. Last evaluated: 2018-09-20. Review status: criteria provided, single submitter. Criteria: ICSL Variant Classification Criteria 09 May 2019. Collection method: clinical testing. Allele origin: germline.
Comment: The HADHA c.1528G>C (p.Glu510Gln) variant, commonly known as Glu474Gln, has been reported in at least eight studies in association with HADHA-related disorders, including LCHAD deficiency and trifunctional protein deficiency. Across a selection of the available literature, the variant is found in at least 153 probands including at least 71 in a homozygous state, at least 22 in a compound heterozygous state, and 52 unaffected in a heterozygous state (Ijlst et al. 1994; Ijlst et al. 1997; Olpin et al. 2005; Piekutowska-Abramczuk et al. 2010; Joost et al. 2012; Boutron et al. 2011; Liewluck et al. 2013; Karall et al. 2015). The p.Glu510Gln variant was found in a compound heterozygous state with a premature termination codon on the second allele in at least twelve cases (Boutron et al. 2011). The p.Glu510Gln variant was absent from 110 control chromosomes and is reported at a frequency of 0.004032 in the European (Finnish) population of the Genome Aggregation Database. Functional testing of the p.Glu510Gln variant protein in yeast cells exhibited a loss of 3-hydroxyacyl-CoA dehydrogenase activity compared to wild type (Ijlst et al. 1996). In addition, functional testing in proband-specific retinal pigment epithelial cells found that cells carrying the p.Glu510Gln variant protein in a homozygous state were small, irregular in shape, with decreased pigmentation and had disorganized tight junctions inducing apoptosis (Polinati et al. 2015). Based on the collective evidence, the p.Glu510Gln variant is classified as pathogenic for HADHA-related disorders. This variant was observed by ICSL as part of a predisposition screen in an ostensibly healthy population.

Eurofins Ntd Llc (ga)
Classification: Pathogenic. Last evaluated: 2016-12-06. Review status: criteria provided, single submitter. Criteria: EGL Classification Definitions 2015. Collection method: clinical testing. Allele origin: germline. Observed: 26 variant alleles, 23 heterozygotes, 3 homozygotes.

Genetic Services Laboratory, University of Chicago
Classification: Pathogenic for LCHAD deficiency. Last evaluated: 2016-11-07. Review status: criteria provided, single submitter. Criteria: ACMG Guidelines, 2015. Collection method: clinical testing. Allele origin: germline. Affected: yes.